The following is an entry in ClinVar:

ClinVar aggregate classification (germline): Likely pathogenic (0 of 4 stars; one submission).

Conditions:
Hirschsprung disease, susceptibility to, 1 (HSCR1). Also called: RET-Related Hirschsprung Disease. Identifiers: Orphanet 388, MedGen C3888239, MONDO:0007723, OMIM 142623.

Allele frequency attached by ClinVar (database versions not stated): TOPMed 0.00003; gnomAD 0.00001.
gnomAD v4.1: 2 of 152,202 alleles (0.0013%); highest among the groups gnomAD compares: African/African-American, 0.0024%; no homozygotes.

Submission:

U955 Equipe 11, INSERM
Classification: Likely pathogenic for Hirschsprung disease 1. Last evaluated: 2013-12-11. Review status: no assertion criteria provided. Collection method: in vitro. Allele origin: paternal. Affected: yes.
Comment: Regulation of SOX10 expression

Literature cited by the submitters: PubMed 24357527.

NC_000022.11:g.38016208G>A

Genes: POLR2F (RNA polymerase II, I and III subunit F; plus strand), SOX10 (SRY-box transcription factor 10; minus strand). Cytogenetic location: 22q13.1.
Variant type: single nucleotide variant.
Molecular consequence: intron variant (on NM_001363825.1).
Genome position: GRCh38 VCF-style: chr22-38016208-G-A. GRCh37 (hg19) VCF-style: chr22-38412215-G-A.
Other names: c.*39-24860G>A (NM_001363825.1); c.453-24860G>A (NM_001301130.2); c.294-24860G>A (NM_001301131.2).
Identifiers: ClinVar variation 156720 (VCV000156720.3), dbSNP rs606231342, ClinGen allele CA270920.